The following is an entry in ClinVar:

NM_006846.4(SPINK5):c.1888-1G>A

Gene: SPINK5 (serine peptidase inhibitor Kazal type 5; plus strand). Cytogenetic location: 5q32.
Variant type: single nucleotide variant.
Coding change: c.1888-1G>A on transcript NM_006846.4 (MANE Select); the canonical splice acceptor site of the intron before coding-DNA position 1888, G replaced by A.
Molecular consequence: splice acceptor variant.
Genome position (GRCh38, 1-based): chr5:148,114,361, G>A. VCF-style: chr5-148114361-G-A. GRCh37 (hg19) VCF-style: chr5-147493924-G-A.
Other names: c.1888-1G>A (NM_001127698.2, NM_001127699.2).
Identifiers: ClinVar variation 654917 (VCV000654917.11), dbSNP rs759255682, ClinGen allele CA3495789.

ClinVar aggregate classification (germline): Pathogenic (1 of 4 stars; one submission).

Conditions:
Ichthyosis linearis circumflexa. Identifiers: MedGen C0265962, MONDO:0043106, HP:0025810.

Allele frequency attached by ClinVar (database versions not stated): TOPMed below 0.00001; gnomAD exomes 0.00001 and 0.00002; gnomAD 0.00002; ExAC 0.00003.
gnomAD v4.1: 22 of 1,609,796 alleles (0.0014%); highest among the groups gnomAD compares: Non-Finnish European, 0.0018%; no homozygotes.

Submission:

Labcorp Genetics (formerly Invitae), Labcorp
Classification: Pathogenic for Ichthyosis linearis circumflexa. Last evaluated: 2025-12-10. Review status: criteria provided, single submitter. Criteria: Invitae Variant Classification Sherloc (09022015). Collection method: clinical testing. Allele origin: germline.
Comment: This sequence change affects an acceptor splice site in intron 20 of the SPINK5 gene. It is expected to disrupt RNA splicing. Variants that disrupt the donor or acceptor splice site typically lead to a loss of protein function (PMID: 16199547), and loss-of-function variants in SPINK5 are known to be pathogenic (PMID: 11511292, 11841556). This variant is present in population databases (rs759255682, gnomAD 0.004%). Disruption of this splice site has been observed in individual(s) with clinical features of Netherton syndrome (PMID: 10835624, 11511292, 11841556). In at least one individual the data is consistent with being in trans (on the opposite chromosome) from a pathogenic variant. ClinVar contains an entry for this variant (Variation ID: 654917). Algorithms developed to predict the effect of sequence changes on RNA splicing suggest that this variant may disrupt the consensus splice site. For these reasons, this variant has been classified as Pathogenic.

Literature cited by the submitters: PubMed 16199547; PubMed 11511292; PubMed 11841556; PubMed 10835624.